The following is an entry in ClinVar:

ClinVar aggregate classification (germline): Uncertain significance (1 of 4 stars; one submission).

Conditions:
Propionic acidemia (PROP). Also called: GLYCINEMIA, KETOTIC; HYPERGLYCINEMIA WITH KETOACIDOSIS AND LEUKOPENIA; KETOTIC HYPERGLYCINEMIA. Identifiers: Orphanet 35, MedGen C0268579, MONDO:0011628, OMIM 606054, HP:0003571.

Allele frequency attached by ClinVar (database versions not stated): ExAC 0.00001; gnomAD exomes 0.00001.
gnomAD v4.1: 15 of 1,612,904 alleles (0.00093%); highest among the groups gnomAD compares: African/African-American, 0.004%; no homozygotes.

Submission:

Labcorp Genetics (formerly Invitae), Labcorp
Classification: Uncertain significance for Propionic acidemia. Last evaluated: 2025-10-21. Review status: criteria provided, single submitter. Criteria: Invitae Variant Classification Sherloc (09022015). Collection method: clinical testing. Allele origin: germline.
Comment: This sequence change replaces aspartic acid, which is acidic and polar, with glycine, which is neutral and non-polar, at codon 235 of the PCCA protein (p.Asp235Gly). This variant is present in population databases (rs760244758, gnomAD 0.004%). This variant has not been reported in the literature in individuals affected with PCCA-related conditions. ClinVar contains an entry for this variant (Variation ID: 1473277). Invitae Evidence Modeling of protein sequence and biophysical properties (such as structural, functional, and spatial information, amino acid conservation, physicochemical variation, residue mobility, and thermodynamic stability) has been performed for this missense variant. However, the output from this modeling did not meet the statistical confidence thresholds required to predict the impact of this variant on PCCA protein function. In summary, the available evidence is currently insufficient to determine the role of this variant in disease. Therefore, it has been classified as a Variant of Uncertain Significance.

NM_000282.4(PCCA):c.704A>G (p.Asp235Gly)

Gene: PCCA (propionyl-CoA carboxylase subunit alpha; plus strand). Cytogenetic location: 13q32.3.
Variant type: single nucleotide variant.
Coding change: c.704A>G on transcript NM_000282.4 (MANE Select); coding-DNA position 704, A replaced by G.
Protein change: p.Asp235Gly; replaces aspartic acid 235 with glycine.
Molecular consequence: missense variant. On other transcripts: non-coding transcript variant (5), intron variant (3).
Genome position (GRCh38, 1-based): chr13:100,257,661, A>G. VCF-style: chr13-100257661-A-G. GRCh37 (hg19) VCF-style: chr13-100909915-A-G.
Other names: c.626A>G, p.Asp209Gly (NM_001127692.3, NM_001352607.2, NM_001352608.2); c.704A>G, p.Asp235Gly (NM_001178004.2, NM_001352605.2, NM_001352606.2 and 1 more transcripts); c.-229-5068A>G (NM_001352610.2, NM_001352611.2, NM_001352612.2); short protein forms D209G, D235G.
Identifiers: ClinVar variation 1473277 (VCV001473277.6), dbSNP rs760244758, ClinGen allele CA7033335.